The following is an entry in ClinVar:

ClinVar aggregate classification (germline): Uncertain significance (1 of 4 stars; one submission).

Conditions:
Inborn genetic diseases. Identifiers: MedGen C0950123, MeSH D030342.

Submission:

Ambry Genetics
Classification: Uncertain significance for Inborn genetic diseases. Last evaluated: 2026-04-22. Review status: criteria provided, single submitter. Criteria: Ambry Variant Classification Scheme 2023. Collection method: clinical testing. Allele origin: germline.
Comment: The c.61C>T (p.Q21*) alteration, located in exon 1 (coding exon 1) of the CACNA1E gene, consists of a C to T substitution at nucleotide position 61. This changes the amino acid from a glutamine (Q) to a stop codon at amino acid position 21. The predicted stop codon occurs in the 5&rsquo; end of the CACNA1E gene. Premature termination codons in the 5&rsquo; end of a gene have been reported to escape nonsense-mediated mRNA decay and/or lead to re-initiation (Rivas, 2015; Lindeboom, 2016; Rhee, 2017). The exact functional effect of this alteration is unknown. This variant was not reported in population-based cohorts in the Genome Aggregation Database (gnomAD). Based on insufficient or conflicting evidence, the clinical significance of this alteration remains unclear.

Literature cited by the submitters: PubMed 25954003; PubMed 27618451; PubMed 28490743; PubMed 34312540.

NM_001205293.3(CACNA1E):c.61C>T (p.Gln21Ter)

Gene: CACNA1E (calcium voltage-gated channel subunit alpha1 E; plus strand). Cytogenetic location: 1q25.3.
Variant type: single nucleotide variant.
Coding change: c.61C>T on transcript NM_001205293.3 (MANE Select); coding-DNA position 61, C replaced by T.
Protein change: p.Gln21Ter; replaces glutamine 21 with a stop codon.
Molecular consequence: nonsense.
Genome position (GRCh38, 1-based): chr1:181,483,805, C>T. VCF-style: chr1-181483805-C-T. GRCh37 (hg19) VCF-style: chr1-181452941-C-T.
Other names: c.61C>T, p.Gln21Ter (NM_000721.4, NM_001205294.2); short protein forms Q21*.
Identifiers: ClinVar variation 4868076 (VCV004868076.1).